The following is an entry in ClinVar:

ClinVar aggregate classification (germline): Uncertain significance (1 of 4 stars; one submission).

Conditions:
Primary dilated cardiomyopathy (DCM). Also called: Dilated Cardiomyopathy. Identifiers: Orphanet 217604, MedGen C0007193, MeSH D002311, MONDO:0005021, HP:0001644. Inheritance: Various modes of inheritance.

Submission:

Labcorp Genetics (formerly Invitae), Labcorp
Classification: Uncertain significance for Primary dilated cardiomyopathy. Last evaluated: 2025-11-13. Review status: criteria provided, single submitter. Criteria: Invitae Variant Classification Sherloc (09022015). Collection method: clinical testing. Allele origin: germline.
Comment: This sequence change creates a premature translational stop signal (p.Gln587Lysfs*3) in the NEBL gene. It is expected to result in an absent or disrupted protein product. However, the current clinical and genetic evidence is not sufficient to establish whether loss-of-function variants in NEBL cause disease. This variant is present in population databases (rs758450195, gnomAD 0.006%). This variant has not been reported in the literature in individuals affected with NEBL-related conditions. ClinVar contains an entry for this variant (Variation ID: 1393507). In summary, the available evidence is currently insufficient to determine the role of this variant in disease. Therefore, it has been classified as a Variant of Uncertain Significance.

NM_006393.3(NEBL):c.1758_1762del (p.Gln587fs)

Gene: NEBL (nebulette; minus strand). Cytogenetic location: 10p12.31.
Variant type: Deletion.
Coding change: c.1758_1762del on transcript NM_006393.3 (MANE Select); coding-DNA positions 1758 to 1762, 5 bases deleted (TCAAC; older notation c.1758_1762delTCAAC).
Protein change: p.Gln587fs; shifts the reading frame from glutamine 587.
Molecular consequence: frameshift variant. On other transcripts: intron variant (9).
Genome position (GRCh38, 1-based): chr10:20,828,544-20,828,548, GTTGA deleted on the plus strand (TCAAC on the coding strand, the reverse complement: NEBL is on the minus strand); deleting any 5 consecutive bases within chr10:20,828,544-20,828,552 gives the same sequence; the c. name uses the placement nearest the transcript's 3' end. VCF-style (leftmost placement, unchanged base first): chr10-20828543-TGTTGA-T. GRCh37 (hg19) VCF-style: chr10-21117472-TGTTGA-T.
Other names: c.250-15608_250-15604del (NM_001377326.1, NM_001377327.1, NM_001377328.1); c.358-15608_358-15604del (NM_213569.2, NM_001173484.2, NM_001377322.1); c.301-15608_301-15604del (NM_001377324.1); c.292-15608_292-15604del (NM_001377325.1); c.310-15608_310-15604del (NM_001377323.1); short protein forms Q587fs.
Identifiers: ClinVar variation 1393507 (VCV001393507.6), dbSNP rs758450195, ClinGen allele CA5432760.